The following is an entry in ClinVar:

ClinVar aggregate classification (germline): Conflicting classifications of pathogenicity. Review status: criteria provided, conflicting classifications (1 of 4 stars). 4 submissions from 4 submitters: Uncertain significance (1); Likely benign (3). Last evaluated 2026-09-04.

Conditions:
S1PR2-related disorder. Also called: S1PR2-related condition.

Allele frequency attached by ClinVar (database versions not stated): ExAC 0.00018; gnomAD exomes 0.00019; ESP Exome Variant Server 0.00023; gnomAD 0.00045 and 0.00049; 1000 Genomes Project 30x 0.00047; TOPMed 0.00052.
gnomAD v4.1: 309 of 1,606,706 alleles (0.019%); highest among the groups gnomAD compares: African/African-American, 0.1%; 1 homozygote.

Submissions (4):

PreventionGenetics, part of Exact Sciences
Classification: Uncertain significance for S1PR2-related condition. Last evaluated: 2026-09-04. Review status: criteria provided, single submitter. Criteria: ACMG Guidelines, 2015. Collection method: clinical testing. Allele origin: germline.
Comment: The S1PR2 c.923C>T variant is predicted to result in the amino acid substitution p.Pro308Leu. To our knowledge, this variant has not been reported in the literature. This variant is reported in 0.091% of alleles in individuals of African descent in gnomAD. Although we suspect that this variant may be benign, at this time, the clinical significance of this variant is uncertain due to the absence of conclusive functional and genetic evidence.

Labcorp Genetics (formerly Invitae), Labcorp
Classification: Likely benign. Last evaluated: 2025-11-08. Review status: criteria provided, single submitter. Criteria: Invitae Variant Classification Sherloc (09022015). Collection method: clinical testing. Allele origin: germline.

GeneDx
Classification: Likely benign. Last evaluated: 2019-12-31. Review status: criteria provided, single submitter. Criteria: GeneDx Variant Classification Process June 2021. Collection method: clinical testing. Allele origin: germline. Affected: yes.

Laboratory for Molecular Medicine, Mass General Brigham Personalized Medicine
Classification: Likely benign. Last evaluated: 2019-06-25. Review status: criteria provided, single submitter. Criteria: LMM Criteria. Collection method: clinical testing. Allele origin: germline. Observed: 1 variant allele.
Comment: The p.Pro308Leu variant in S1PR2 is classified as likely benign because it has been identified in 0.09% (21/23110) of African chromosomes by gnomAD, and computational prediction tools predict that this variant does not impact the protein. ACMG/AMP Criteria applied: BS1_Supporting, BP4.

NM_004230.4(S1PR2):c.923C>T (p.Pro308Leu)

Gene: S1PR2 (sphingosine-1-phosphate receptor 2; minus strand). Cytogenetic location: 19p13.2.
Variant type: single nucleotide variant.
Coding change: c.923C>T on transcript NM_004230.4 (MANE Select); coding-DNA position 923, C replaced by T.
Protein change: p.Pro308Leu; replaces proline 308 with leucine.
Molecular consequence: missense variant.
Genome position (GRCh38, 1-based): chr19:10,223,983, G>A on the plus strand (C>T on the coding strand, the complement: S1PR2 is on the minus strand). VCF-style: chr19-10223983-G-A. GRCh37 (hg19) VCF-style: chr19-10334659-G-A.
Other names: short protein forms P308L.
Identifiers: ClinVar variation 929889 (VCV000929889.16), dbSNP rs200973983, ClinGen allele CA9188981.
Genomic context (GRCh38, chr19:10,223,983, plus strand): 5'-AGTGGCAGGAGGTGGTGGCCCGGGGTCCCGCCCCGCCTCCGTCCTTGCACCCCCACCCCC[G>A]GCCTCCAGCACTGCAGCGGCCGAAGCACCTCCCGCCGCAGGTCCCGGCTGCGCCACGTGT-3'
Protein context (NP_004221.3, residues 298-318): EVLRPLQCWR[Pro308Leu]GVGVQGRRRG